The following is an entry in ClinVar:

ClinVar aggregate classification (germline): Uncertain significance. Review status: criteria provided, multiple submitters, no conflicts (2 of 4 stars). 2 submissions from 2 submitters: Uncertain significance (2). Last evaluated 2024-05-06.

Conditions:
Hereditary cancer-predisposing syndrome. Also called: Tumor predisposition; Hereditary neoplastic syndrome; Neoplastic Syndromes, Hereditary; Hereditary Cancer Syndrome. Identifiers: Orphanet 140162, MedGen C0027672, MeSH D009386, MONDO:0015356.
Familial cancer of breast. Also called: BREAST CANCER, FAMILIAL; Hereditary breast cancer; hereditary breast carcinoma. Identifiers: Orphanet 227535, MedGen C0346153, MONDO:0016419, OMIM 114480. Disease mechanism: loss of function.

Submissions (2):

Labcorp Genetics (formerly Invitae), Labcorp
Classification: Uncertain significance for Familial cancer of breast. Last evaluated: 2024-05-06. Review status: criteria provided, single submitter. Criteria: Invitae Variant Classification Sherloc (09022015). Collection method: clinical testing. Allele origin: germline.
Comment: This sequence change replaces tyrosine, which is neutral and polar, with asparagine, which is neutral and polar, at codon 390 of the CHEK2 protein (p.Tyr390Asn). This variant is not present in population databases (gnomAD no frequency). This variant has not been reported in the literature in individuals affected with CHEK2-related conditions. ClinVar contains an entry for this variant (Variation ID: 958958). An algorithm developed to predict the effect of missense changes on protein structure and function (PolyPhen-2) suggests that this variant is likely to be disruptive. This variant disrupts the p.Tyr390 amino acid residue in CHEK2. Other variant(s) that disrupt this residue have been determined to be pathogenic (PMID: 22114986, 25503501, 27553368, 27751358, 30441849, 30613976, 30851065, 32957588, 33919281, 33925588, 34903604, 35220195; Invitae). This suggests that this residue is clinically significant, and that variants that disrupt this residue are likely to be disease-causing. In summary, the available evidence is currently insufficient to determine the role of this variant in disease. Therefore, it has been classified as a Variant of Uncertain Significance.

Ambry Genetics
Classification: Uncertain significance for Hereditary cancer-predisposing syndrome. Last evaluated: 2022-05-31. Review status: criteria provided, single submitter. Criteria: Ambry Variant Classification Scheme 2023. Collection method: clinical testing. Allele origin: germline.
Comment: The p.Y390N variant (also known as c.1168T>A), located in coding exon 10 of the CHEK2 gene, results from a T to A substitution at nucleotide position 1168. The tyrosine at codon 390 is replaced by asparagine, an amino acid with dissimilar properties. This amino acid position is highly conserved in available vertebrate species. In addition, this alteration is predicted to be deleterious by in silico analysis. Since supporting evidence is limited at this time, the clinical significance of this alteration remains unclear.

Literature cited by the submitters: PubMed 22114986 (cited by Labcorp Genetics (formerly Invitae), Labcorp); PubMed 25503501 (cited by Labcorp Genetics (formerly Invitae), Labcorp); PubMed 27553368 (cited by Labcorp Genetics (formerly Invitae), Labcorp); PubMed 27751358 (cited by Labcorp Genetics (formerly Invitae), Labcorp); PubMed 30441849 (cited by Labcorp Genetics (formerly Invitae), Labcorp); PubMed 30613976 (cited by Labcorp Genetics (formerly Invitae), Labcorp); PubMed 30851065 (cited by Labcorp Genetics (formerly Invitae), Labcorp); PubMed 32957588 (cited by Labcorp Genetics (formerly Invitae), Labcorp); PubMed 33919281 (cited by Labcorp Genetics (formerly Invitae), Labcorp); PubMed 33925588 (cited by Labcorp Genetics (formerly Invitae), Labcorp); PubMed 34903604 (cited by Labcorp Genetics (formerly Invitae), Labcorp); PubMed 35220195 (cited by Labcorp Genetics (formerly Invitae), Labcorp).

NM_007194.4(CHEK2):c.1168T>A (p.Tyr390Asn)

Gene: CHEK2 (checkpoint kinase 2; minus strand). Cytogenetic location: 22q12.1.
Variant type: single nucleotide variant.
Coding change: c.1168T>A on transcript NM_007194.4 (MANE Select); coding-DNA position 1168, T replaced by A.
Protein change: p.Tyr390Asn; replaces tyrosine 390 with asparagine.
Molecular consequence: missense variant.
Genome position (GRCh38, 1-based): chr22:28,695,801, A>T on the plus strand (T>A on the coding strand, the complement: CHEK2 is on the minus strand). VCF-style: chr22-28695801-A-T. GRCh37 (hg19) VCF-style: chr22-29091789-A-T.
Other names: c.1297T>A, p.Tyr433Asn (NM_001005735.3); c.505T>A, p.Tyr169Asn (NM_001257387.3); c.967T>A, p.Tyr323Asn (NM_001349956.3); c.1081T>A, p.Tyr361Asn (NM_145862.3); short protein forms Y361N, Y390N, Y433N, Y169N, Y323N.
Identifiers: ClinVar variation 958958 (VCV000958958.13), dbSNP rs2052558996, ClinGen allele CA411096831.